The following is an entry in ClinVar:

NM_006231.4(POLE):c.4593_4611del (p.Ala1532fs)

Gene: POLE (DNA polymerase epsilon, catalytic subunit; minus strand). Cytogenetic location: 12q24.33.
Variant type: Deletion.
Coding change: c.4593_4611del on transcript NM_006231.4 (MANE Select); coding-DNA positions 4593 to 4611, 19 bases deleted (AGCAGAGCACGGCCTCCTC).
Protein change: p.Ala1532fs; shifts the reading frame from alanine 1532.
Molecular consequence: frameshift variant.
Genome position (GRCh38, 1-based): chr12:132,642,937-132,642,955, GAGGAGGCCGTGCTCTGCT deleted on the plus strand (AGCAGAGCACGGCCTCCTC on the coding strand, the reverse complement: POLE is on the minus strand); deleting any 19 consecutive bases within chr12:132,642,937-132,642,958 gives the same sequence; the c. name uses the placement nearest the transcript's 3' end. VCF-style (leftmost placement, unchanged base first): chr12-132642936-GGAGGAGGCCGTGCTCTGCT-G. GRCh37 (hg19) VCF-style: chr12-133219522-GGAGGAGGCCGTGCTCTGCT-G.
Other names: c.4593_4611delAGCAGAGCACGGCCTCCTC (NM_006231.3); short protein forms A1532fs.
Identifiers: ClinVar variation 654013 (VCV000654013.8), dbSNP rs1593732546, ClinGen allele CA915946820.

ClinVar aggregate classification (germline): Pathogenic (1 of 4 stars; one submission).

Submission:

Labcorp Genetics (formerly Invitae), Labcorp
Classification: Pathogenic. Last evaluated: 2022-05-12. Review status: criteria provided, single submitter. Criteria: Invitae Variant Classification Sherloc (09022015). Collection method: clinical testing. Allele origin: germline.
Comment: For these reasons, this variant has been classified as Pathogenic. ClinVar contains an entry for this variant (Variation ID: 654013). This variant has not been reported in the literature in individuals affected with POLE-related conditions. This variant is not present in population databases (gnomAD no frequency). This sequence change creates a premature translational stop signal (p.Ala1532Trpfs*24) in the POLE gene. It is expected to result in an absent or disrupted protein product. Loss-of-function variants in POLE are known to be pathogenic (PMID: 23230001, 25948378, 30503519).

Literature cited by the submitters: PubMed 23230001; PubMed 25948378; PubMed 30503519.